The following is an entry in ClinVar:

NM_014956.5(CEP164):c.2843A>C (p.Gln948Pro)

Gene: CEP164 (centrosomal protein 164; plus strand). Cytogenetic location: 11q23.3.
Variant type: single nucleotide variant.
Coding change: c.2843A>C on transcript NM_014956.5 (MANE Select); coding-DNA position 2843, A replaced by C.
Protein change: p.Gln948Pro; replaces glutamine 948 with proline.
Molecular consequence: missense variant.
Genome position (GRCh38, 1-based): chr11:117,395,002, A>C. VCF-style: chr11-117395002-A-C. GRCh37 (hg19) VCF-style: chr11-117265718-A-C.
Other names: c.2852A>C, p.Gln951Pro (NM_001271933.2, NM_001440949.1); c.2843A>C, p.Gln948Pro (NM_001440950.1, NM_001440951.1, NM_001440953.1); c.2678A>C, p.Gln893Pro (NM_001440952.1, NM_001440968.1, NM_001440969.1); c.2765A>C, p.Gln922Pro (NM_001440954.1, NM_001440955.1, NM_001440958.1 and 1 more transcripts); c.2756A>C, p.Gln919Pro (NM_001440956.1, NM_001440957.1); c.2714A>C, p.Gln905Pro (NM_001440960.1); c.2705A>C, p.Gln902Pro (NM_001440961.1, NM_001440967.1); c.2696A>C, p.Gln899Pro (NM_001440962.1, NM_001440963.1, NM_001440964.1 and 4 more transcripts); and 7 more; short protein forms Q873P, Q893P, Q922P, Q823P, Q829P, Q895P, Q899P, Q951P.
Identifiers: ClinVar variation 4991441 (VCV004991441.1).

ClinVar aggregate classification (germline): Uncertain significance (1 of 4 stars; one submission).

Conditions:
CEP164-related disorder. Also called: CEP164-related condition.

gnomAD v4.1: 1 of 1,613,984 alleles (0.000062%); highest among the groups gnomAD compares: Admixed American, 0.0017%; no homozygotes.

Submission:

PreventionGenetics, part of Exact Sciences
Classification: Uncertain significance for CEP164-related condition. Last evaluated: 2026-05-21. Review status: criteria provided, single submitter. Criteria: ACMG Guidelines, 2015. Collection method: clinical testing. Allele origin: germline.
Comment: The CEP164 c.2843A>C variant is predicted to result in the amino acid substitution p.Gln948Pro. To our knowledge, this variant has not been reported in the literature or in a large population database (gnomAD), indicating this variant is rare. At this time, the clinical significance of this variant is uncertain due to the absence of conclusive functional and genetic evidence.